The following is an entry in ClinVar:

NM_001134363.3(RBM20):c.761C>T (p.Ser254Leu)

Gene: RBM20 (RNA binding motif protein 20; plus strand). Cytogenetic location: 10q25.2.
Variant type: single nucleotide variant.
Coding change: c.761C>T on transcript NM_001134363.3 (MANE Select); coding-DNA position 761, C replaced by T.
Protein change: p.Ser254Leu; replaces serine 254 with leucine.
Molecular consequence: missense variant.
Genome position (GRCh38, 1-based): chr10:110,781,370, C>T. VCF-style: chr10-110781370-C-T. GRCh37 (hg19) VCF-style: chr10-112541128-C-T.
Other names: short protein forms S254L.
Identifiers: ClinVar variation 411656 (VCV000411656.19), dbSNP rs766868824, ClinGen allele CA5688529.

ClinVar aggregate classification (germline): Conflicting classifications of pathogenicity. Review status: criteria provided, conflicting classifications (1 of 4 stars). 6 submissions from 6 submitters: Uncertain significance (3); Benign (2); Likely benign (1). Last evaluated 2025-11-01.

Conditions:
Cardiovascular phenotype. Identifiers: MedGen CN230736.
Dilated cardiomyopathy 1DD (CMD1DD). Identifiers: Orphanet 154, MedGen C2750995, MONDO:0013168, OMIM 613172.

Allele frequency attached by ClinVar (database versions not stated): gnomAD exomes 0.00002 and 0.00003; ExAC 0.00005; gnomAD 0.00013 and 0.00016; TOPMed 0.00014; 1000 Genomes Project 30x 0.00016.
gnomAD v4.1: 44 of 1,551,718 alleles (0.0028%); highest among the groups gnomAD compares: African/African-American, 0.045%; 1 homozygote.

Submissions (6):

Labcorp Genetics (formerly Invitae), Labcorp
Classification: Benign for Dilated cardiomyopathy 1DD. Last evaluated: 2025-11-01. Review status: criteria provided, single submitter. Criteria: Invitae Variant Classification Sherloc (09022015). Collection method: clinical testing. Allele origin: germline.

Laboratory of Genetics, Children's Clinical University Hospital Latvia
Classification: Benign. Last evaluated: 2025-02-16. Review status: criteria provided, single submitter. Criteria: ACMG Guidelines, 2015. Collection method: clinical testing. Allele origin: germline. Affected: yes.

Blueprint Genetics
Classification: Likely benign. Last evaluated: 2024-10-17. Review status: criteria provided, single submitter. Criteria: ACMG Guidelines, 2015. Collection method: clinical testing. Allele origin: germline.

Ambry Genetics
Classification: Uncertain significance for Cardiovascular phenotype. Last evaluated: 2023-05-10. Review status: criteria provided, single submitter. Criteria: Ambry Variant Classification Scheme 2023. Collection method: clinical testing. Allele origin: germline.
Comment: The p.S254L variant (also known as c.761C>T), located in coding exon 2 of the RBM20 gene, results from a C to T substitution at nucleotide position 761. The serine at codon 254 is replaced by leucine, an amino acid with dissimilar properties. This amino acid position is not well conserved in available vertebrate species. In addition, this alteration is predicted to be tolerated by in silico analysis. Since supporting evidence is limited at this time, the clinical significance of this alteration remains unclear.

Women's Health and Genetics/Laboratory Corporation of America, LabCorp
Classification: Uncertain significance. Last evaluated: 2022-04-25. Review status: criteria provided, single submitter. Criteria: LabCorp Variant Classification Summary - May 2015. Collection method: clinical testing. Allele origin: germline.
Comment: Variant summary: RBM20 c.761C>T (p.Ser254Leu) results in a non-conservative amino acid change in the encoded protein sequence. Three of five in-silico tools predict a benign effect of the variant on protein function. The variant allele was found at a frequency of 3.2e-05 in 153878 control chromosomes. The available data on variant occurrences in the general population are insufficient to allow any conclusion about variant significance. c.761C>T has been reported in the literature in at least one individual without clinical information. This report does not provide unequivocal conclusions about association of the variant with Dilated Cardiomyopathy. Co-occurrences with a pathogenic variant has been reported (TTR c.424G>A, p.Val142Ile), providing supporting evidence for a benign role. To our knowledge, no experimental evidence demonstrating an impact on protein function has been reported. One clinical diagnostic laboratory has submitted clinical-significance assessments for this variant to ClinVar after 2014 without evidence for independent evaluation and classified the variant as uncertain significance. Based on the evidence outlined above, the variant was classified as uncertain significance.

Fulgent Genetics
Classification: Uncertain significance for Dilated cardiomyopathy 1DD. Last evaluated: 2021-08-09. Review status: criteria provided, single submitter. Criteria: ACMG Guidelines, 2015. Collection method: clinical testing. Allele origin: unknown.

Literature cited by the submitters: PubMed 30871351 (cited by Ambry Genetics and Women's Health and Genetics/Laboratory Corporation of America, LabCorp).